The following is an entry in ClinVar:

ClinVar aggregate classification (germline): Conflicting classifications of pathogenicity. Review status: criteria provided, conflicting classifications (1 of 4 stars). 4 submissions from 4 submitters: Uncertain significance (2); Likely benign (2). Last evaluated 2026-10-15.

Conditions:
Nephrotic syndrome, type 9 (NPHS9). Identifiers: Orphanet 656, MedGen C3809965, MONDO:0014257, OMIM 615573.

Allele frequency attached by ClinVar (database versions not stated): gnomAD 0.00016 and 0.00018; ExAC 0.00025; 1000 Genomes Project 30x 0.00016; TOPMed 0.00017; 1000 Genomes Project 0.00020; gnomAD exomes 0.00022.
gnomAD v4.1: 271 of 1,610,730 alleles (0.017%); highest among the groups gnomAD compares: Middle Eastern, 0.26%; no homozygotes.

Submissions (4):

GeneDx
Classification: Uncertain significance. Last evaluated: 2026-10-15. Review status: criteria provided, single submitter. Criteria: GeneDx Variant Classification Process June 2021. Collection method: clinical testing. Allele origin: germline.
Comment: In silico analysis suggests that this missense variant does not alter protein structure/function; Has not been previously published as pathogenic or benign to our knowledge

Labcorp Genetics (formerly Invitae), Labcorp
Classification: Likely benign. Last evaluated: 2024-12-09. Review status: criteria provided, single submitter. Criteria: Invitae Variant Classification Sherloc (09022015). Collection method: clinical testing. Allele origin: germline.

Revvity Omics, Revvity
Classification: Uncertain significance for Nephrotic syndrome, type 9. Last evaluated: 2024-03-07. Review status: criteria provided, single submitter. Criteria: ACMG Guidelines, 2015. Collection method: clinical testing. Allele origin: germline.

Breakthrough Genomics
Classification: Likely benign. Review status: criteria provided, single submitter. Criteria: ACMG Guidelines, 2015. Collection method: not provided. Allele origin: germline. Inheritance: Autosomal recessive inheritance. Affected: yes.

NM_024876.4(COQ8B):c.826G>C (p.Ala276Pro)

Gene: COQ8B (coenzyme Q8B; minus strand). Cytogenetic location: 19q13.2.
Variant type: single nucleotide variant.
Coding change: c.826G>C on transcript NM_024876.4 (MANE Select); coding-DNA position 826, G replaced by C.
Protein change: p.Ala276Pro; replaces alanine 276 with proline.
Molecular consequence: missense variant.
Genome position (GRCh38, 1-based): chr19:40,702,667, C>G on the plus strand (G>C on the coding strand, the complement: COQ8B is on the minus strand). VCF-style: chr19-40702667-C-G. GRCh37 (hg19) VCF-style: chr19-41208572-C-G.
Other names: c.703G>C, p.Ala235Pro (NM_001142555.3); short protein forms A235P, A276P.
Identifiers: ClinVar variation 1565408 (VCV001565408.14), dbSNP rs200480831, ClinGen allele CA9450245.